The following is an entry in ClinVar:

NM_000554.6(CRX):c.365del (p.Gly122fs)

Gene: CRX (cone-rod homeobox; plus strand). Cytogenetic location: 19q13.33.
Variant type: Deletion.
Coding change: c.365del on transcript NM_000554.6 (MANE Select); coding-DNA position 365, one base deleted (G; older notation c.365delG).
Protein change: p.Gly122fs; shifts the reading frame from glycine 122.
Molecular consequence: frameshift variant.
Genome position (GRCh38, 1-based): chr19:47,839,432, G deleted; the last of 3 consecutive G bases (chr19:47,839,430-47,839,432); deleting any one gives the same sequence. VCF-style (leftmost placement, unchanged base first): chr19-47839429-CG-C. GRCh37 (hg19) VCF-style: chr19-48342686-CG-C.
Other names: c.365delG (NM_000554.5); short protein forms G122fs.
Identifiers: ClinVar variation 1393381 (VCV001393381.7), dbSNP rs1968163226, ClinGen allele CA996552268.

ClinVar aggregate classification (germline): Pathogenic. Review status: criteria provided, multiple submitters, no conflicts (2 of 4 stars). 2 submissions from 2 submitters: Pathogenic (2). Last evaluated 2024-04-22.

Conditions:
Cone-rod dystrophy 2 (CORD2). Also called: CONE-ROD RETINAL DYSTROPHY; Cone-rod retinal dystrophy 2. Identifiers: Orphanet 1872, MedGen C3489532, MONDO:0007362, OMIM 120970.
Leber congenital amaurosis 7 (LCA7). Identifiers: Orphanet 65, MedGen C3151192, MONDO:0013449, OMIM 613829.

Submissions (2):

Labcorp Genetics (formerly Invitae), Labcorp
Classification: Pathogenic for Cone-rod dystrophy 2; Leber congenital amaurosis 7. Last evaluated: 2024-04-22. Review status: criteria provided, single submitter. Criteria: Invitae Variant Classification Sherloc (09022015). Collection method: clinical testing. Allele origin: germline.
Comment: This sequence change creates a premature translational stop signal (p.Gly122Alafs*65) in the CRX gene. While this is not anticipated to result in nonsense mediated decay, it is expected to disrupt the last 178 amino acid(s) of the CRX protein. This variant is not present in population databases (gnomAD no frequency). This premature translational stop signal has been observed in individual(s) with autosomal dominant cone-rod dystrophy (Invitae). ClinVar contains an entry for this variant (Variation ID: 1393381). This variant disrupts a region of the CRX protein in which other variant(s) (p.Tyr258*) have been determined to be pathogenic (PMID: 22968130, 25270190). This suggests that this is a clinically significant region of the protein, and that variants that disrupt it are likely to be disease-causing. For these reasons, this variant has been classified as Pathogenic.

Clinical Genetics Service, Universitary Hospital 12 de Octubre
Classification: Pathogenic for Cone-rod dystrophy 2. Review status: criteria provided, single submitter. Criteria: ACMG Guidelines, 2015. Collection method: clinical testing. Allele origin: germline. Affected: yes.

Literature cited by the submitters: PubMed 22968130 (cited by Labcorp Genetics (formerly Invitae), Labcorp); PubMed 25270190 (cited by Labcorp Genetics (formerly Invitae), Labcorp).